The following is an entry in ClinVar:

ClinVar aggregate classification (germline): Uncertain significance. Review status: criteria provided, multiple submitters, no conflicts (2 of 4 stars). 3 submissions from 3 submitters: Uncertain significance (3). Last evaluated 2025-01-24.

Conditions:
Inborn genetic diseases. Identifiers: MedGen C0950123, MeSH D030342.

Allele frequency attached by ClinVar (database versions not stated): gnomAD 0.00001; gnomAD exomes 0.00002 and 0.00005; TOPMed 0.00002; ExAC 0.00004.
gnomAD v4.1: 16 of 1,614,088 alleles (0.00099%); highest among the groups gnomAD compares: Admixed American, 0.023%; no homozygotes.

Submissions (3):

Ambry Genetics
Classification: Uncertain significance for Inborn genetic diseases. Last evaluated: 2025-01-24. Review status: criteria provided, single submitter. Criteria: Ambry Variant Classification Scheme 2023. Collection method: clinical testing. Allele origin: germline.

Labcorp Genetics (formerly Invitae), Labcorp
Classification: Uncertain significance. Last evaluated: 2022-05-25. Review status: criteria provided, single submitter. Criteria: Invitae Variant Classification Sherloc (09022015). Collection method: clinical testing. Allele origin: germline.
Comment: This sequence change replaces lysine, which is basic and polar, with arginine, which is basic and polar, at codon 372 of the VLDLR protein (p.Lys372Arg). This variant is present in population databases (rs759045327, gnomAD 0.04%). This variant has not been reported in the literature in individuals affected with VLDLR-related conditions. Algorithms developed to predict the effect of missense changes on protein structure and function output the following: SIFT: "Not Available"; PolyPhen-2: "Benign"; Align-GVGD: "Not Available". The arginine amino acid residue is found in multiple mammalian species, which suggests that this missense change does not adversely affect protein function. Algorithms developed to predict the effect of sequence changes on RNA splicing suggest that this variant may create or strengthen a splice site. In summary, the available evidence is currently insufficient to determine the role of this variant in disease. Therefore, it has been classified as a Variant of Uncertain Significance.

Women's Health and Genetics/Laboratory Corporation of America, LabCorp
Classification: Uncertain significance. Last evaluated: 2022-05-03. Review status: criteria provided, single submitter. Criteria: LabCorp Variant Classification Summary - May 2015. Collection method: clinical testing. Allele origin: germline.

NM_003383.5(VLDLR):c.1115A>G (p.Lys372Arg)

Gene: VLDLR (very low density lipoprotein receptor; plus strand). Cytogenetic location: 9p24.2.
Variant type: single nucleotide variant.
Coding change: c.1115A>G on transcript NM_003383.5 (MANE Select); coding-DNA position 1115, A replaced by G.
Protein change: p.Lys372Arg; replaces lysine 372 with arginine.
Molecular consequence: missense variant.
Genome position (GRCh38, 1-based): chr9:2,644,782, A>G. VCF-style: chr9-2644782-A-G. GRCh37 (hg19) VCF-style: chr9-2644782-A-G.
Other names: c.1115A>G, p.Lys372Arg (NM_001018056.3); c.992A>G, p.Lys331Arg (NM_001322225.2, NM_001322226.2); c.1115A>G (NM_003383.3); short protein forms K331R, K372R.
Identifiers: ClinVar variation 1696224 (VCV001696224.4), dbSNP rs759045327, ClinGen allele CA4964744.
Genomic context (GRCh38, chr9:2,644,782, plus strand): 5'-TTTTTATTCCAGATATAAACGAATGCTTGGTAAATAATGGTGGATGTTCTCATATCTGCA[A>G]AGACCTAGTTATAGGCTACGAGTGTGACTGTGCAGCTGGGTTTGAACTGATAGATAGGAA-3'
Protein context (NP_003374.3, residues 362-382): VNNGGCSHIC[Lys372Arg]DLVIGYECDC